The following is an entry in ClinVar:

NM_000070.3(CAPN3):c.1524+1G>A

Gene: CAPN3 (calpain 3; plus strand). Cytogenetic location: 15q15.1.
Variant type: single nucleotide variant.
Coding change: c.1524+1G>A on transcript NM_000070.3 (MANE Select); the canonical splice donor site of the intron after coding-DNA position 1524, G replaced by A.
Molecular consequence: splice donor variant.
Genome position (GRCh38, 1-based): chr15:42,401,811, G>A. VCF-style: chr15-42401811-G-A. GRCh37 (hg19) VCF-style: chr15-42694009-G-A.
Other names: c.1524+1G>A (NM_024344.2); c.1380+1G>A (NM_173087.2).
Identifiers: ClinVar variation 536512 (VCV000536512.8), dbSNP rs1275289254, ClinGen allele CA392000015.

ClinVar aggregate classification (germline): Pathogenic/Likely pathogenic. Review status: criteria provided, multiple submitters, no conflicts (2 of 4 stars). 2 submissions from 2 submitters: Pathogenic (1); Likely pathogenic (1). Last evaluated 2022-03-07.

Conditions:
Muscular dystrophy, limb-girdle, autosomal dominant 4. Also called: MUSCULAR DYSTROPHY, LIMB-GIRDLE, TYPE 1I; Calpain-3-related limb-girdle muscular dystrophy D4. Identifiers: Orphanet 565909, MedGen C4748295, MONDO:0029133, OMIM 618129.
Autosomal recessive limb-girdle muscular dystrophy type 2A (LGMDR1). Also called: Limb-girdle muscular dystrophy, type 2A; Calpainopathy; Muscular dystrophy, limb-girdle, type 2A, Amish; LEYDEN-MOEBIUS MUSCULAR DYSTROPHY; MUSCULAR DYSTROPHY, PELVOFEMORAL. Identifiers: Orphanet 267, MedGen C1869123, MONDO:0009675, OMIM 253600. Disease mechanism: loss of function.

Submissions (2):

Baylor Genetics
Classification: Likely pathogenic for Muscular dystrophy, limb-girdle, autosomal dominant 4. Last evaluated: 2022-03-07. Review status: criteria provided, single submitter. Criteria: ACMG Guidelines, 2015. Collection method: clinical testing. Allele origin: unknown.

Labcorp Genetics (formerly Invitae), Labcorp
Classification: Pathogenic for Autosomal recessive limb-girdle muscular dystrophy type 2A. Last evaluated: 2020-02-21. Review status: criteria provided, single submitter. Criteria: Invitae Variant Classification Sherloc (09022015). Collection method: clinical testing. Allele origin: germline.
Comment: For these reasons, this variant has been classified as Pathogenic. This sequence change affects a donor splice site in intron 11 of the CAPN3 gene. It is expected to disrupt RNA splicing and likely results in an absent or disrupted protein product. This variant is not present in population databases (ExAC no frequency). Disruption of this splice site has been observed in individual(s) with autosomal recessive limb-girdle muscular dystrophy and Emery-Dreifuss muscular dystrophy (PMID: 17258832, 19556129, 20635405). ClinVar contains an entry for this variant (Variation ID: 536512). Experimental studies have shown that alteration of this splice site disrupts mRNA splicing (PMID: 20635405). Donor and acceptor splice site variants typically lead to a loss of protein function (PMID: 16199547), and loss-of-function variants in CAPN3 are known to be pathogenic (PMID: 10330340, 15689361).

Literature cited by the submitters: PubMed 17258832 (cited by Labcorp Genetics (formerly Invitae), Labcorp); PubMed 19556129 (cited by Labcorp Genetics (formerly Invitae), Labcorp); PubMed 20635405 (cited by Labcorp Genetics (formerly Invitae), Labcorp); PubMed 16199547 (cited by Labcorp Genetics (formerly Invitae), Labcorp); PubMed 10330340 (cited by Labcorp Genetics (formerly Invitae), Labcorp); PubMed 15689361 (cited by Labcorp Genetics (formerly Invitae), Labcorp).